The following is an entry in ClinVar:

NM_003500.4(ACOX2):c.143C>A (p.Ala48Glu)

Gene: ACOX2 (acyl-CoA oxidase 2; minus strand). Cytogenetic location: 3p14.3.
Variant type: single nucleotide variant.
Coding change: c.143C>A on transcript NM_003500.4 (MANE Select); coding-DNA position 143, C replaced by A.
Protein change: p.Ala48Glu; replaces alanine 48 with glutamic acid.
Molecular consequence: missense variant.
Genome position (GRCh38, 1-based): chr3:58,534,964, G>T on the plus strand (C>A on the coding strand, the complement: ACOX2 is on the minus strand). VCF-style: chr3-58534964-G-T. GRCh37 (hg19) VCF-style: chr3-58520691-G-T.
Other names: short protein forms A48E.
Identifiers: ClinVar variation 2078519 (VCV002078519.3), dbSNP rs752030551, ClinGen allele CA2472535.

ClinVar aggregate classification (germline): Uncertain significance. Review status: criteria provided, multiple submitters, no conflicts (2 of 4 stars). 2 submissions from 2 submitters: Uncertain significance (2). Last evaluated 2025-09-25.

Allele frequency attached by ClinVar (database versions not stated): gnomAD 0.00002; TOPMed 0.00009; ExAC 0.00013.
gnomAD v4.1: 54 of 1,614,106 alleles (0.0033%); highest among the groups gnomAD compares: Admixed American, 0.09%; no homozygotes.

Submissions (2):

Labcorp Genetics (formerly Invitae), Labcorp
Classification: Uncertain significance. Last evaluated: 2025-09-25. Review status: criteria provided, single submitter. Criteria: Invitae Variant Classification Sherloc (09022015). Collection method: clinical testing. Allele origin: germline.
Comment: This sequence change replaces alanine, which is neutral and non-polar, with glutamic acid, which is acidic and polar, at codon 48 of the ACOX2 protein (p.Ala48Glu). This variant is present in population databases (rs752030551, gnomAD 0.1%), and has an allele count higher than expected for a pathogenic variant. This variant has not been reported in the literature in individuals affected with ACOX2-related conditions. ClinVar contains an entry for this variant (Variation ID: 2078519). Invitae Evidence Modeling of protein sequence and biophysical properties (such as structural, functional, and spatial information, amino acid conservation, physicochemical variation, residue mobility, and thermodynamic stability) indicates that this missense variant is not expected to disrupt ACOX2 protein function with a negative predictive value of 80%. In summary, the available evidence is currently insufficient to determine the role of this variant in disease. Therefore, it has been classified as a Variant of Uncertain Significance.

Ambry Genetics
Classification: Uncertain significance. Last evaluated: 2021-08-28. Review status: criteria provided, single submitter. Criteria: Ambry Variant Classification Scheme 2023. Collection method: clinical testing. Allele origin: germline.